The following is an entry in ClinVar:

NM_001142800.2(EYS):c.4010A>T (p.His1337Leu)

Gene: EYS (EGF-like photoreceptor maintenance factor; minus strand). Cytogenetic location: 6q12.
Variant type: single nucleotide variant.
Coding change: c.4010A>T on transcript NM_001142800.2 (MANE Select); coding-DNA position 4010, A replaced by T.
Protein change: p.His1337Leu; replaces histidine 1337 with leucine.
Molecular consequence: missense variant.
Genome position (GRCh38, 1-based): chr6:64,591,857, T>A on the plus strand (A>T on the coding strand, the complement: EYS is on the minus strand). VCF-style: chr6-64591857-T-A. GRCh37 (hg19) VCF-style: chr6-65301750-T-A.
Other names: c.4010A>T, p.His1337Leu (NM_001292009.2); short protein forms H1337L.
Identifiers: ClinVar variation 2162506 (VCV002162506.4), dbSNP rs1766422531, ClinGen allele CA364784230.

ClinVar aggregate classification (germline): Uncertain significance (1 of 4 stars; one submission).

Allele frequency attached by ClinVar (database versions not stated): gnomAD exomes below 0.00001.
gnomAD v4.1: 4 of 1,551,256 alleles (0.00026%); highest among the groups gnomAD compares: Non-Finnish European, 0.00035%; no homozygotes.

Submission:

Labcorp Genetics (formerly Invitae), Labcorp
Classification: Uncertain significance. Last evaluated: 2022-05-19. Review status: criteria provided, single submitter. Criteria: Invitae Variant Classification Sherloc (09022015). Collection method: clinical testing. Allele origin: germline.
Comment: In summary, the available evidence is currently insufficient to determine the role of this variant in disease. Therefore, it has been classified as a Variant of Uncertain Significance. Algorithms developed to predict the effect of missense changes on protein structure and function (SIFT, PolyPhen-2, Align-GVGD) all suggest that this variant is likely to be tolerated. This variant has not been reported in the literature in individuals affected with EYS-related conditions. This variant is not present in population databases (gnomAD no frequency). This sequence change replaces histidine, which is basic and polar, with leucine, which is neutral and non-polar, at codon 1337 of the EYS protein (p.His1337Leu).